The following is an entry in ClinVar:

NM_006329.4(FBLN5):c.889C>T (p.His297Tyr)

Gene: FBLN5 (fibulin 5; minus strand). Cytogenetic location: 14q32.12.
Variant type: single nucleotide variant.
Coding change: c.889C>T on transcript NM_006329.4 (MANE Select); coding-DNA position 889, C replaced by T.
Protein change: p.His297Tyr; replaces histidine 297 with tyrosine.
Molecular consequence: missense variant.
Genome position (GRCh38, 1-based): chr14:91,881,392, G>A on the plus strand (C>T on the coding strand, the complement: FBLN5 is on the minus strand). VCF-style: chr14-91881392-G-A. GRCh37 (hg19) VCF-style: chr14-92347736-G-A.
Other names: c.1012C>T, p.His338Tyr (NM_001384158.1); c.940C>T, p.His314Tyr (NM_001384159.1); c.889C>T, p.His297Tyr (NM_001384160.1); c.721C>T, p.His241Tyr (NM_001384161.1, NM_001384162.1); short protein forms H338Y, H241Y, H297Y, H314Y.
Identifiers: ClinVar variation 3680779 (VCV003680779.2).

ClinVar aggregate classification (germline): Uncertain significance (1 of 4 stars; one submission).

Submission:

Labcorp Genetics (formerly Invitae), Labcorp
Classification: Uncertain significance. Last evaluated: 2024-01-11. Review status: criteria provided, single submitter. Criteria: Invitae Variant Classification Sherloc (09022015). Collection method: clinical testing. Allele origin: germline.
Comment: This sequence change replaces histidine, which is basic and polar, with tyrosine, which is neutral and polar, at codon 297 of the FBLN5 protein (p.His297Tyr). The frequency data for this variant in the population databases is considered unreliable, as metrics indicate poor data quality at this position in the gnomAD database. This variant has not been reported in the literature in individuals affected with FBLN5-related conditions. Advanced modeling of protein sequence and biophysical properties (such as structural, functional, and spatial information, amino acid conservation, physicochemical variation, residue mobility, and thermodynamic stability) performed at Invitae indicates that this missense variant is not expected to disrupt FBLN5 protein function with a negative predictive value of 80%. In summary, the available evidence is currently insufficient to determine the role of this variant in disease. Therefore, it has been classified as a Variant of Uncertain Significance.